The following is an entry in ClinVar:

NM_004371.4(COPA):c.715G>C (p.Ala239Pro)

Gene: COPA (coat protein complex I subunit alpha; minus strand). Cytogenetic location: 1q23.2.
Variant type: single nucleotide variant.
Coding change: c.715G>C on transcript NM_004371.4 (MANE Select); coding-DNA position 715, G replaced by C.
Protein change: p.Ala239Pro; replaces alanine 239 with proline.
Molecular consequence: missense variant.
Genome position (GRCh38, 1-based): chr1:160,314,117, C>G on the plus strand (G>C on the coding strand, the complement: COPA is on the minus strand). VCF-style: chr1-160314117-C-G. GRCh37 (hg19) VCF-style: chr1-160283907-C-G.
Other names: c.715G>C, p.Ala239Pro (LRG_1336t1, NM_001098398.2); short protein forms A239P.
Identifiers: ClinVar variation 577775 (VCV000577775.10), dbSNP rs1557868211, ClinGen allele CA343264564.

ClinVar aggregate classification (germline): Pathogenic (1 of 4 stars; one submission).

Conditions:
Autoimmune interstitial lung disease-arthritis syndrome. Also called: Autoinflammation and autoimmunity, systemic, with immune dysregulation. Identifiers: Orphanet 444092, MedGen C5975714, MONDO:0014629.

Submission:

Labcorp Genetics (formerly Invitae), Labcorp
Classification: Pathogenic for Autoimmune interstitial lung disease-arthritis syndrome. Last evaluated: 2024-10-29. Review status: criteria provided, single submitter. Criteria: Invitae Variant Classification Sherloc (09022015). Collection method: clinical testing. Allele origin: germline.
Comment: This sequence change replaces alanine, which is neutral and non-polar, with proline, which is neutral and non-polar, at codon 239 of the COPA protein (p.Ala239Pro). This variant is not present in population databases (gnomAD no frequency). This missense change has been observed in individual(s) with clinical features of autosomal dominant autoimmune interstitial lung, joint, and kidney disease (internal data). In at least one individual the variant was observed to be de novo. ClinVar contains an entry for this variant (Variation ID: 577775). Invitae Evidence Modeling of protein sequence and biophysical properties (such as structural, functional, and spatial information, amino acid conservation, physicochemical variation, residue mobility, and thermodynamic stability) indicates that this missense variant is expected to disrupt COPA protein function with a positive predictive value of 80%. For these reasons, this variant has been classified as Pathogenic.